The following is an entry in ClinVar:

NM_032119.4(ADGRV1):c.5C>T (p.Ser2Leu)

Gene: ADGRV1 (adhesion G protein-coupled receptor V1; plus strand). Cytogenetic location: 5q14.3.
Variant type: single nucleotide variant.
Coding change: c.5C>T on transcript NM_032119.4 (MANE Select); coding-DNA position 5, C replaced by T.
Protein change: p.Ser2Leu; replaces serine 2 with leucine.
Molecular consequence: missense variant. On other transcripts: non-coding transcript variant (1).
Genome position (GRCh38, 1-based): chr5:90,558,900, C>T. VCF-style: chr5-90558900-C-T. GRCh37 (hg19) VCF-style: chr5-89854717-C-T.
Other names: short protein forms S2L.
Identifiers: ClinVar variation 3612863 (VCV003612863.2).

ClinVar aggregate classification (germline): Uncertain significance (1 of 4 stars; one submission).

gnomAD v4.1: 11 of 1,559,766 alleles (0.00071%); highest among the groups gnomAD compares: African/African-American, 0.0014%; no homozygotes.

Submission:

Labcorp Genetics (formerly Invitae), Labcorp
Classification: Uncertain significance. Last evaluated: 2024-07-30. Review status: criteria provided, single submitter. Criteria: Invitae Variant Classification Sherloc (09022015). Collection method: clinical testing. Allele origin: germline.
Comment: This sequence change replaces serine, which is neutral and polar, with leucine, which is neutral and non-polar, at codon 2 of the ADGRV1 protein (p.Ser2Leu). The frequency data for this variant in the population databases is considered unreliable, as metrics indicate poor data quality at this position in the gnomAD database. This variant has not been reported in the literature in individuals affected with ADGRV1-related conditions. An algorithm developed to predict the effect of missense changes on protein structure and function outputs the following: PolyPhen-2: "Benign". The leucine amino acid residue is found in multiple mammalian species, which suggests that this missense change does not adversely affect protein function. In summary, the available evidence is currently insufficient to determine the role of this variant in disease. Therefore, it has been classified as a Variant of Uncertain Significance.